The following is an entry in ClinVar:

ClinVar aggregate classification (germline): Uncertain significance (1 of 4 stars; one submission).

gnomAD v4.1: 1 of 1,613,974 alleles (0.000062%); highest among the groups gnomAD compares: Admixed American, 0.0017%; no homozygotes.

Submission:

Dasa
Classification: Uncertain significance. Last evaluated: 2024-11-05. Review status: criteria provided, single submitter. Criteria: DASA Assertion Criteria. Collection method: clinical testing. Allele origin: germline.
Comment: NM_001303052.2(MYT1L):c.52C>G (p.Arg18Gly) is a missense variant that results in the substitution of arginine with glycine. This variant is rare in population databases. Computational prediction algorithms are consistent with a benign effect. The currently available literature and clinical evidence are not sufficient to establish a definitive association between this variant and the reported condition. Therefore, this variant is classified as a variant of uncertain significance.

NM_001303052.2(MYT1L):c.52C>G (p.Arg18Gly)

Gene: MYT1L (myelin transcription factor 1 like; minus strand). Cytogenetic location: 2p25.3.
Variant type: single nucleotide variant.
Coding change: c.52C>G on transcript NM_001303052.2 (MANE Select); coding-DNA position 52, C replaced by G.
Protein change: p.Arg18Gly; replaces arginine 18 with glycine.
Molecular consequence: missense variant.
Genome position (GRCh38, 1-based): chr2:1,979,726, G>C on the plus strand (C>G on the coding strand, the complement: MYT1L is on the minus strand). VCF-style: chr2-1979726-G-C. GRCh37 (hg19) VCF-style: chr2-1983498-G-C.
Other names: c.52C>G, p.Arg18Gly (NM_001329847.2, NM_001329848.1, NM_001329849.3 and 6 more transcripts); short protein forms R18G.
Identifiers: ClinVar variation 4886615 (VCV004886615.2).